The following is an entry in ClinVar:

ClinVar aggregate classification (germline): Uncertain significance. Review status: criteria provided, multiple submitters, no conflicts (2 of 4 stars). 5 submissions from 5 submitters: Uncertain significance (5). Last evaluated 2026-06-10.

Conditions:
TRIOBP-related disorder. Also called: TRIOBP-related condition.

Allele frequency attached by ClinVar (database versions not stated): gnomAD 0.00004 and 0.00007; ExAC 0.00009; gnomAD exomes 0.00010; TOPMed 0.00011; 1000 Genomes Project 30x 0.00016; 1000 Genomes Project 0.00020.
gnomAD v4.1: 146 of 1,612,978 alleles (0.0091%); highest among the groups gnomAD compares: East Asian, 0.18%; no homozygotes.

Submissions (5):

PreventionGenetics, part of Exact Sciences
Classification: Uncertain significance for TRIOBP-related condition. Last evaluated: 2026-06-10. Review status: criteria provided, single submitter. Criteria: ACMG Guidelines, 2015. Collection method: clinical testing. Allele origin: germline.
Comment: The TRIOBP c.6308C>T variant is predicted to result in the amino acid substitution p.Pro2103Leu. To our knowledge, this variant has not been reported in the literature. This variant is reported in 0.090% of alleles in individuals of East Asian descent in gnomAD. Although we suspect that this variant may be benign, at this time, the clinical significance of this variant is uncertain due to the absence of conclusive functional and genetic evidence.

Blueprint Genetics
Classification: Uncertain significance. Last evaluated: 2024-11-05. Review status: criteria provided, single submitter. Criteria: ACMG Guidelines, 2015. Collection method: clinical testing. Allele origin: germline.

GeneDx
Classification: Uncertain significance. Last evaluated: 2024-06-10. Review status: criteria provided, single submitter. Criteria: GeneDx Variant Classification Process June 2021. Collection method: clinical testing. Allele origin: germline. Affected: yes.
Comment: In silico analysis supports that this missense variant has a deleterious effect on protein structure/function; Has not been previously published as pathogenic or benign to our knowledge

Labcorp Genetics (formerly Invitae), Labcorp
Classification: Uncertain significance. Last evaluated: 2023-12-20. Review status: criteria provided, single submitter. Criteria: Invitae Variant Classification Sherloc (09022015). Collection method: clinical testing. Allele origin: germline.
Comment: This sequence change replaces proline, which is neutral and non-polar, with leucine, which is neutral and non-polar, at codon 2103 of the TRIOBP protein (p.Pro2103Leu). This variant is present in population databases (rs200250028, gnomAD 0.1%). This variant has not been reported in the literature in individuals affected with TRIOBP-related conditions. ClinVar contains an entry for this variant (Variation ID: 667345). An algorithm developed to predict the effect of missense changes on protein structure and function (PolyPhen-2) suggests that this variant is likely to be disruptive. In summary, the available evidence is currently insufficient to determine the role of this variant in disease. Therefore, it has been classified as a Variant of Uncertain Significance.

Laboratory for Molecular Medicine, Mass General Brigham Personalized Medicine
Classification: Uncertain significance. Last evaluated: 2018-08-08. Review status: criteria provided, single submitter. Criteria: LMM Criteria. Collection method: clinical testing. Allele origin: germline. Observed: 1 variant allele.
Comment: Variant classified as Uncertain Significance - Favor Benign. The p.Pro2103Leu va riant in TRIOBP has not been previously reported in individuals with hearing los s, but has been identified in 0.1% (19/18840) of East Asian chromosomes by the G enome Aggregation Database (gnomAD). Computati onal prediction tools and conservation analysis suggest that this variant may im pact the protein, though this information is not predictive enough to determine pathogenicity. In summary, while the clinical significance of this variant is un certain, the frequency data suggest that it is more likely to be benign. ACMG/A MP Criteria applied: BS1_Supporting, PP3.

NM_001039141.3(TRIOBP):c.6308C>T (p.Pro2103Leu)

Gene: TRIOBP (TRIO and F-actin binding protein; plus strand). Cytogenetic location: 22q13.1.
Variant type: single nucleotide variant.
Coding change: c.6308C>T on transcript NM_001039141.3 (MANE Select); coding-DNA position 6308, C replaced by T.
Protein change: p.Pro2103Leu; replaces proline 2103 with leucine.
Molecular consequence: missense variant.
Genome position (GRCh38, 1-based): chr22:37,759,248, C>T. VCF-style: chr22-37759248-C-T. GRCh37 (hg19) VCF-style: chr22-38155255-C-T.
Other names: c.1169C>T, p.Pro390Leu (NM_007032.5, NM_138632.2); short protein forms P2103L, P390L.
Identifiers: ClinVar variation 667345 (VCV000667345.13), dbSNP rs200250028, ClinGen allele CA10224933.